The following is an entry in ClinVar:

NM_015650.4(TRAF3IP1):c.1405C>A (p.Pro469Thr)

Gene: TRAF3IP1 (TRAF3 interacting protein 1; plus strand). Cytogenetic location: 2q37.3.
Variant type: single nucleotide variant.
Coding change: c.1405C>A on transcript NM_015650.4 (MANE Select); coding-DNA position 1405, C replaced by A.
Protein change: p.Pro469Thr; replaces proline 469 with threonine.
Molecular consequence: missense variant.
Genome position (GRCh38, 1-based): chr2:238,349,362, C>A. VCF-style: chr2-238349362-C-A. GRCh37 (hg19) VCF-style: chr2-239258003-C-A.
Other names: c.1207C>A, p.Pro403Thr (NM_001139490.1); short protein forms P403T, P469T.
Identifiers: ClinVar variation 4742127 (VCV004742127.1).

ClinVar aggregate classification (germline): Uncertain significance (1 of 4 stars; one submission).

Submission:

Labcorp Genetics (formerly Invitae), Labcorp
Classification: Uncertain significance. Last evaluated: 2025-03-06. Review status: criteria provided, single submitter. Criteria: Invitae Variant Classification Sherloc (09022015). Collection method: clinical testing. Allele origin: germline.
Comment: This sequence change replaces proline, which is neutral and non-polar, with threonine, which is neutral and polar, at codon 469 of the TRAF3IP1 protein (p.Pro469Thr). This variant is not present in population databases (gnomAD no frequency). This variant has not been reported in the literature in individuals affected with TRAF3IP1-related conditions. Invitae Evidence Modeling of protein sequence and biophysical properties (such as structural, functional, and spatial information, amino acid conservation, physicochemical variation, residue mobility, and thermodynamic stability) indicates that this missense variant is expected to disrupt TRAF3IP1 protein function with a positive predictive value of 80%. In summary, the available evidence is currently insufficient to determine the role of this variant in disease. Therefore, it has been classified as a Variant of Uncertain Significance.